The following is an entry in ClinVar:

NM_000048.4(ASL):c.115G>T (p.Val39Phe)

Gene: ASL (argininosuccinate lyase; plus strand). Cytogenetic location: 7q11.21.
Variant type: single nucleotide variant.
Coding change: c.115G>T on transcript NM_000048.4 (MANE Select); coding-DNA position 115, G replaced by T.
Protein change: p.Val39Phe; replaces valine 39 with phenylalanine.
Molecular consequence: missense variant.
Genome position (GRCh38, 1-based): chr7:66,081,905, G>T. VCF-style: chr7-66081905-G-T. GRCh37 (hg19) VCF-style: chr7-65546892-G-T.
Other names: c.115G>T, p.Val39Phe (NM_001024943.2, NM_001024944.2, NM_001024946.2); short protein forms V39F.
Identifiers: ClinVar variation 2695641 (VCV002695641.3), dbSNP rs1786514732, ClinGen allele CA367638121.

ClinVar aggregate classification (germline): Uncertain significance (1 of 4 stars; one submission).

Conditions:
Argininosuccinate lyase deficiency. Also called: ARGININOSUCCINIC ACID LYASE DEFICIENCY; ASL DEFICIENCY; Argininosuccinic aciduria. Identifiers: Orphanet 23, MedGen C0268547, MONDO:0008815, OMIM 207900, HP:0025630.

Submission:

Labcorp Genetics (formerly Invitae), Labcorp
Classification: Uncertain significance for Argininosuccinate lyase deficiency. Last evaluated: 2023-11-13. Review status: criteria provided, single submitter. Criteria: Invitae Variant Classification Sherloc (09022015). Collection method: clinical testing. Allele origin: germline.
Comment: This sequence change replaces valine, which is neutral and non-polar, with phenylalanine, which is neutral and non-polar, at codon 39 of the ASL protein (p.Val39Phe). This variant is not present in population databases (gnomAD no frequency). This missense change has been observed in individual(s) with argininosuccinate lyase deficiency (Invitae). Advanced modeling of protein sequence and biophysical properties (such as structural, functional, and spatial information, amino acid conservation, physicochemical variation, residue mobility, and thermodynamic stability) performed at Invitae indicates that this missense variant is expected to disrupt ASL protein function with a positive predictive value of 95%. In summary, the available evidence is currently insufficient to determine the role of this variant in disease. Therefore, it has been classified as a Variant of Uncertain Significance.